The following is an entry in ClinVar:

NM_000038.6(APC):c.4969C>T (p.Leu1657=)

Gene: APC (APC regulator of Wnt signaling pathway; plus strand). Cytogenetic location: 5q22.2.
Variant type: single nucleotide variant.
Coding change: c.4969C>T on transcript NM_000038.6 (MANE Select); coding-DNA position 4969, C replaced by T.
Protein change: p.Leu1657=; no amino-acid change (leucine 1657 retained).
Molecular consequence: synonymous variant.
Genome position (GRCh38, 1-based): chr5:112,840,563, C>T. VCF-style: chr5-112840563-C-T. GRCh37 (hg19) VCF-style: chr5-112176260-C-T.
Other names: c.4969C>T, p.Leu1657= (NM_001127510.3, NM_001354895.2); c.4915C>T, p.Leu1639= (NM_001127511.3); c.5023C>T, p.Leu1675= (NM_001354896.2); c.4999C>T, p.Leu1667= (NM_001354897.2); c.4894C>T, p.Leu1632= (NM_001354898.2); c.4885C>T, p.Leu1629= (NM_001354899.2); c.4846C>T, p.Leu1616= (NM_001354900.2); c.4792C>T, p.Leu1598= (NM_001354901.2); and 5 more.
Identifiers: ClinVar variation 1109281 (VCV001109281.13), dbSNP rs1417558114, ClinGen allele CA446208728.

ClinVar aggregate classification (germline): Likely benign. Review status: criteria provided, multiple submitters, no conflicts (2 of 4 stars). 3 submissions from 3 submitters: Likely benign (3). Last evaluated 2023-11-20.

Conditions:
Classic or attenuated familial adenomatous polyposis. Identifiers: MedGen CN372698, MONDO:0021057.
Hereditary cancer-predisposing syndrome. Also called: Tumor predisposition; Hereditary Cancer Syndrome; Neoplastic Syndromes, Hereditary; Hereditary neoplastic syndrome. Identifiers: Orphanet 140162, MedGen C0027672, MeSH D009386, MONDO:0015356.
Familial adenomatous polyposis 1 (FAP1). Also called: POLYPOSIS, ADENOMATOUS INTESTINAL; FAMILIAL ADENOMATOUS POLYPOSIS 1, ATTENUATED. Identifiers: MedGen C2713442, MONDO:0021056, OMIM 175100. Disease mechanism: loss of function.

Allele frequency attached by ClinVar (database versions not stated): gnomAD exomes below 0.00001.
gnomAD v4.1: 2 of 1,614,108 alleles (0.00012%); highest among the groups gnomAD compares: Non-Finnish European, 0.00017%; no homozygotes.

Submissions (3):

All of Us Research Program, National Institutes of Health
Classification: Likely benign for Classic or attenuated familial adenomatous polyposis. Last evaluated: 2023-11-20. Review status: criteria provided, single submitter. Criteria: ACMG Guidelines, 2015. Collection method: clinical testing. Allele origin: germline. Inheritance: Autosomal dominant inheritance. Observed: 1 variant allele, 1 heterozygote.
Comment: This study involves interpretation of variants in research participants for the purpose of population health screening. Participant phenotype was not available at the time of variant classification. Additional details can be found in publication PMID: 35346344, PMCID: PMC8962531

Labcorp Genetics (formerly Invitae), Labcorp
Classification: Likely benign for Familial adenomatous polyposis 1. Last evaluated: 2022-01-07. Review status: criteria provided, single submitter. Criteria: Invitae Variant Classification Sherloc (09022015). Collection method: clinical testing. Allele origin: germline.

Ambry Genetics
Classification: Likely benign for Hereditary cancer-predisposing syndrome. Last evaluated: 2021-04-22. Review status: criteria provided, single submitter. Criteria: Ambry Variant Classification Scheme 2023. Collection method: clinical testing. Allele origin: germline.